The following is an entry in ClinVar:

NM_000088.4(COL1A1):c.103A>G (p.Ile35Val)

Gene: COL1A1 (collagen type I alpha 1 chain; minus strand). Cytogenetic location: 17q21.33.
Variant type: single nucleotide variant.
Coding change: c.103A>G on transcript NM_000088.4 (MANE Select); coding-DNA position 103, A replaced by G.
Protein change: p.Ile35Val; replaces isoleucine 35 with valine.
Molecular consequence: missense variant.
Genome position (GRCh38, 1-based): chr17:50,201,411, T>C on the plus strand (A>G on the coding strand, the complement: COL1A1 is on the minus strand). VCF-style: chr17-50201411-T-C. GRCh37 (hg19) VCF-style: chr17-48278772-T-C.
Other names: short protein forms I35V.
Identifiers: ClinVar variation 3608304 (VCV003608304.2).

ClinVar aggregate classification (germline): Uncertain significance (1 of 4 stars; one submission).

Conditions:
Osteogenesis imperfecta type I (OI1). Also called: Classic Non-deforming Osteogenesis Imperfecta with Blue Sclerae; Lobstein's Disease; Lobstein disease; OI, TYPE I; OSTEOGENESIS IMPERFECTA TARDA; OSTEOGENESIS IMPERFECTA WITH BLUE SCLERAE. Identifiers: Orphanet 216796, Orphanet 666, MedGen C0023931, MONDO:0008146, OMIM 166200. Disease mechanism: loss of function.

Submission:

Labcorp Genetics (formerly Invitae), Labcorp
Classification: Uncertain significance for Osteogenesis imperfecta type I. Last evaluated: 2025-01-25. Review status: criteria provided, single submitter. Criteria: Invitae Variant Classification Sherloc (09022015). Collection method: clinical testing. Allele origin: germline.
Comment: This sequence change replaces isoleucine, which is neutral and non-polar, with valine, which is neutral and non-polar, at codon 35 of the COL1A1 protein (p.Ile35Val). This variant is not present in population databases (gnomAD no frequency). This variant has not been reported in the literature in individuals affected with COL1A1-related conditions. Experimental studies and prediction algorithms are not available or were not evaluated, and the functional significance of this variant is currently unknown. In summary, the available evidence is currently insufficient to determine the role of this variant in disease. Therefore, it has been classified as a Variant of Uncertain Significance.